The following is an entry in ClinVar:

NM_001854.4(COL11A1):c.4859-19A>G

Gene: COL11A1 (collagen type XI alpha 1 chain; minus strand). Cytogenetic location: 1p21.1.
Variant type: single nucleotide variant.
Coding change: c.4859-19A>G on transcript NM_001854.4 (MANE Select); 19 bases into the intron before coding-DNA position 4859, A replaced by G.
Molecular consequence: intron variant.
Genome position (GRCh38, 1-based): chr1:102,883,330, T>C on the plus strand (A>G on the coding strand, the complement: COL11A1 is on the minus strand). VCF-style: chr1-102883330-T-C. GRCh37 (hg19) VCF-style: chr1-103348886-T-C.
Other names: c.4742-19A>G (NM_001190709.2); c.4895-19A>G (NM_080629.3); c.4511-19A>G (NM_080630.4).
Identifiers: ClinVar variation 390131 (VCV000390131.9), dbSNP rs146179957, ClinGen allele CA973381.

ClinVar aggregate classification (germline): Likely benign. Review status: criteria provided, multiple submitters, no conflicts (2 of 4 stars). 2 submissions from 2 submitters: Likely benign (2). Last evaluated 2025-05-21.

Allele frequency attached by ClinVar (database versions not stated): gnomAD 0.00001; TOPMed 0.00001; 1000 Genomes Project 30x 0.00016; 1000 Genomes Project 0.00020.
gnomAD v4.1: 2 of 1,471,278 alleles (0.00014%); highest among the groups gnomAD compares: African/African-American, 0.0028%; no homozygotes.

Submissions (2):

Labcorp Genetics (formerly Invitae), Labcorp
Classification: Likely benign. Last evaluated: 2025-05-21. Review status: criteria provided, single submitter. Criteria: Invitae Variant Classification Sherloc (09022015). Collection method: clinical testing. Allele origin: germline.

GeneDx
Classification: Likely benign. Last evaluated: 2016-11-14. Review status: criteria provided, single submitter. Criteria: GeneDx Variant Classification (06012015). Collection method: clinical testing. Allele origin: germline. Affected: yes.
Comment: This variant is considered likely benign or benign based on one or more of the following criteria: it is a conservative change, it occurs at a poorly conserved position in the protein, it is predicted to be benign by multiple in silico algorithms, and/or has population frequency not consistent with disease.